The following is an entry in ClinVar:

NM_001903.5(CTNNA1):c.1165C>A (p.His389Asn)

Gene: CTNNA1 (catenin alpha 1; plus strand). Cytogenetic location: 5q31.2.
Variant type: single nucleotide variant.
Coding change: c.1165C>A on transcript NM_001903.5 (MANE Select); coding-DNA position 1165, C replaced by A.
Protein change: p.His389Asn; replaces histidine 389 with asparagine.
Molecular consequence: missense variant. On other transcripts: 5 prime UTR variant (5), intron variant (2).
Genome position (GRCh38, 1-based): chr5:138,887,511, C>A. VCF-style: chr5-138887511-C-A. GRCh37 (hg19) VCF-style: chr5-138223200-C-A.
Other names: c.1165C>A, p.His389Asn (NM_001290307.3, NM_001323982.2, NM_001323983.1 and 3 more transcripts); c.856C>A, p.His286Asn (NM_001290309.3); c.796C>A, p.His266Asn (NM_001290310.3); c.55C>A, p.His19Asn (NM_001290312.1, NM_001323987.1, NM_001323988.1 and 18 more transcripts); c.-343C>A (NM_001324006.1, NM_001324007.1, NM_001324008.1 and 1 more transcripts); c.-218C>A (NM_001324013.1); c.-58+11914C>A (NM_001324012.1); c.-61+11914C>A (NM_001324010.1); short protein forms H19N, H266N, H286N, H389N.
Identifiers: ClinVar variation 1462308 (VCV001462308.9), dbSNP rs1460381137, ClinGen allele CA361132983.

ClinVar aggregate classification (germline): Uncertain significance. Review status: criteria provided, multiple submitters, no conflicts (2 of 4 stars). 2 submissions from 2 submitters: Uncertain significance (2). Last evaluated 2021-09-16.

Allele frequency attached by ClinVar (database versions not stated): gnomAD exomes below 0.00001.
gnomAD v4.1: 1 of 1,606,716 alleles (0.000062%); highest among the groups gnomAD compares: South Asian, 0.0011%; no homozygotes.

Submissions (2):

Blueprint Genetics
Classification: Uncertain significance. Last evaluated: 2021-09-16. Review status: criteria provided, single submitter. Criteria: ACMG Guidelines, 2015. Collection method: clinical testing. Allele origin: germline.

Labcorp Genetics (formerly Invitae), Labcorp
Classification: Uncertain significance. Last evaluated: 2021-06-18. Review status: criteria provided, single submitter. Criteria: Invitae Variant Classification Sherloc (09022015). Collection method: clinical testing. Allele origin: germline.
Comment: In summary, the available evidence is currently insufficient to determine the role of this variant in disease. Therefore, it has been classified as a Variant of Uncertain Significance. Algorithms developed to predict the effect of missense changes on protein structure and function are either unavailable or do not agree on the potential impact of this missense change (SIFT: "Deleterious"; PolyPhen-2: "Possibly Damaging"; Align-GVGD: "Class C0"). This variant has not been reported in the literature in individuals with CTNNA1-related conditions. This variant is not present in population databases (ExAC no frequency). This sequence change replaces histidine with asparagine at codon 389 of the CTNNA1 protein (p.His389Asn). The histidine residue is highly conserved and there is a small physicochemical difference between histidine and asparagine.